The following is an entry in ClinVar:

ClinVar aggregate classification (germline): Benign. Review status: criteria provided, multiple submitters, no conflicts (2 of 4 stars). 3 submissions from 3 submitters: Benign (3). Last evaluated 2023-11-12.

Allele frequency attached by ClinVar (database versions not stated): gnomAD 0.18670 and 0.19338; TOPMed 0.18703; 1000 Genomes Project 30x 0.20378; 1000 Genomes Project 0.20927; gnomAD exomes 0.23212.
gnomAD v4.1: 200,846 of 893,254 alleles (22%); highest among the groups gnomAD compares: South Asian, 31%; 23,823 homozygotes.

Submissions (3):

Unidad de Genómica Garrahan, Hospital de Pediatría Garrahan
Classification: Benign. Last evaluated: 2023-11-12. Review status: criteria provided, single submitter. Criteria: ACMG Guidelines, 2015. Collection method: clinical testing. Allele origin: germline. Affected: no. Observed: 39 variant alleles.
Comment: This variant is classified as Benign based on local population frequency. This variant was detected in 41% of patients studied by a panel of primary immunodeficiencies. Number of patients: 39. Only high quality variants are reported.

GeneDx
Classification: Benign. Last evaluated: 2021-05-14. Review status: criteria provided, single submitter. Criteria: GeneDx Variant Classification Process June 2021. Collection method: clinical testing. Allele origin: germline. Affected: yes.

Breakthrough Genomics
Classification: Benign. Review status: criteria provided, single submitter. Criteria: ACMG Guidelines, 2015. Collection method: not provided. Allele origin: germline. Inheritance: Autosomal dominant inheritance. Affected: yes.

NM_002661.5(PLCG2):c.564+87G>A

Gene: PLCG2 (phospholipase C gamma 2; plus strand). Cytogenetic location: 16q23.3.
Variant type: single nucleotide variant.
Coding change: c.564+87G>A on transcript NM_002661.5 (MANE Select); 87 bases into the intron after coding-DNA position 564, G replaced by A.
Molecular consequence: intron variant.
Genome position (GRCh38, 1-based): chr16:81,869,385, G>A. VCF-style: chr16-81869385-G-A. GRCh37 (hg19) VCF-style: chr16-81902990-G-A.
Identifiers: ClinVar variation 1243491 (VCV001243491.5), dbSNP rs4889419, ClinGen allele CA14229434.